The following is an entry in ClinVar:

ClinVar aggregate classification (germline): Uncertain significance (1 of 4 stars; one submission).

Submission:

Women's Health and Genetics/Laboratory Corporation of America, LabCorp
Classification: Uncertain significance. Last evaluated: 2024-02-02. Review status: criteria provided, single submitter. Criteria: LabCorp Variant Classification Summary - May 2015. Collection method: clinical testing. Allele origin: germline.
Comment: Variant summary: NFIB c.616+4A>G alters a conserved nucleotide located close to a canonical splice site and therefore could affect mRNA splicing, leading to a significantly altered protein sequence. Several computational tools predict a significant impact on normal splicing: Four predict the variant weakens the 5' canonical donor site. However, these predictions have yet to be confirmed by functional studies. The variant was absent in 251092 control chromosomes. The available data on variant occurrences in the general population are insufficient to allow any conclusion about variant significance. To our knowledge, no occurrence of c.616+4A>G in individuals affected with Macrocephaly, Acquired, With Impaired Intellectual Development and no experimental evidence demonstrating its impact on protein function have been reported. No submitters have cited clinical-significance assessments for this variant to ClinVar. Based on the evidence outlined above, the variant was classified as uncertain significance.

NM_001190737.2(NFIB):c.616+4A>G

Gene: NFIB (nuclear factor I B; minus strand). Cytogenetic location: 9p23.
Variant type: single nucleotide variant.
Coding change: c.616+4A>G on transcript NM_001190737.2 (MANE Select); 4 bases into the intron after coding-DNA position 616, A replaced by G.
Molecular consequence: intron variant.
Genome position (GRCh38, 1-based): chr9:14,179,723, T>C on the plus strand (A>G on the coding strand, the complement: NFIB is on the minus strand). VCF-style: chr9-14179723-T-C. GRCh37 (hg19) VCF-style: chr9-14179722-T-C.
Other names: c.616+4A>G (NM_005596.3, NM_001369471.1, NM_001369464.1 and 1 more transcripts); c.682+4A>G (NM_001369468.1, NM_001369462.1, NM_001369459.1 and 1 more transcripts); c.694+4A>G (NM_001190738.2); c.379+4A>G (NM_001369478.1, NM_001369470.1); c.604+4A>G (NM_001369473.1, NM_001369472.1, NM_001369466.1 and 2 more transcripts); c.472+4A>G (NM_001369469.1); c.391+4A>G (NM_001369475.1); c.563-23830A>G (NM_001369477.1); and 4 more.
Identifiers: ClinVar variation 3068951 (VCV003068951.2), dbSNP rs2537586929, ClinGen allele CA2825001622.
Genomic context (GRCh38, chr9:14,179,723, plus strand): 5'-TATACAGTGGTACCTTTGTTCTCCAACAATGTCAGATTGCAAATGTCCTGGAACACATAT[T>C]TACCTGGAGGATTCTTGGCAGGATCATTGTGGCTTGGACTTCCTGATTGTCCAGAATCTG-3'